The following is an entry in ClinVar:

NM_000264.5(PTCH1):c.3684G>C (p.Gln1228His)

Gene: PTCH1 (patched 1; minus strand). Cytogenetic location: 9q22.32.
Variant type: single nucleotide variant.
Coding change: c.3684G>C on transcript NM_000264.5 (MANE Select); coding-DNA position 3684, G replaced by C.
Protein change: p.Gln1228His; replaces glutamine 1228 with histidine.
Molecular consequence: missense variant. On other transcripts: non-coding transcript variant (1).
Genome position (GRCh38, 1-based): chr9:95,449,189, C>G on the plus strand (G>C on the coding strand, the complement: PTCH1 is on the minus strand). VCF-style: chr9-95449189-C-G. GRCh37 (hg19) VCF-style: chr9-98211471-C-G.
Other names: c.3486G>C, p.Gln1162His (NM_001083602.3); c.3681G>C, p.Gln1227His (NM_001083603.3); c.3231G>C, p.Gln1077His (NM_001083604.3, NM_001083605.3, NM_001083606.3 and 1 more transcripts); c.3528G>C, p.Gln1176His (NM_001354918.2); short protein forms Q1077H, Q1162H, Q1176H, Q1227H, Q1228H.
Identifiers: ClinVar variation 3231022 (VCV003231022.1), dbSNP rs2136599643, ClinGen allele CA374111147.
Genomic context (GRCh38, chr9:95,449,189, plus strand): 5'-TCCCGCGCCCTGCTGGGCCTCGTAGTGCCGAAGCTCCTCGCTGAGGCCTGACACTGTCGT[C>G]TGGGAACTATACTCCGAGTCGGAGGAATCAGACCCGCTGTGCGTGTGGCCGGGCGGCATG-3'
Protein context (NP_000255.2, residues 1218-1238): SDSSDSEYSS[Gln1228His]TTVSGLSEEL

ClinVar aggregate classification (germline): Uncertain significance (1 of 4 stars; one submission).

Conditions:
Hereditary cancer-predisposing syndrome. Also called: Neoplastic Syndromes, Hereditary; Tumor predisposition; Hereditary neoplastic syndrome; Hereditary Cancer Syndrome. Identifiers: Orphanet 140162, MedGen C0027672, MeSH D009386, MONDO:0015356.

Submission:

Ambry Genetics
Classification: Uncertain significance for Hereditary cancer-predisposing syndrome. Last evaluated: 2024-01-28. Review status: criteria provided, single submitter. Criteria: Ambry Variant Classification Scheme 2023. Collection method: clinical testing. Allele origin: germline.
Comment: The p.Q1228H variant (also known as c.3684G>C), located in coding exon 22 of the PTCH1 gene, results from a G to C substitution at nucleotide position 3684. The glutamine at codon 1228 is replaced by histidine, an amino acid with highly similar properties. This amino acid position is conserved. In addition, the in silico prediction for this alteration is inconclusive. Based on the available evidence, the clinical significance of this alteration remains unclear.